The following is an entry in ClinVar:

NM_001101362.3(KBTBD13):c.877C>T (p.Gln293Ter)

Gene: KBTBD13 (kelch repeat and BTB domain containing 13; plus strand). Cytogenetic location: 15q22.31.
Variant type: single nucleotide variant.
Coding change: c.877C>T on transcript NM_001101362.3 (MANE Select); coding-DNA position 877, C replaced by T.
Protein change: p.Gln293Ter; replaces glutamine 293 with a stop codon.
Molecular consequence: nonsense.
Genome position (GRCh38, 1-based): chr15:65,077,692, C>T. VCF-style: chr15-65077692-C-T. GRCh37 (hg19) VCF-style: chr15-65370030-C-T.
Other names: short protein forms Q293*.
Identifiers: ClinVar variation 2628547 (VCV002628547.2), dbSNP rs766677668, ClinGen allele CA7614007.

ClinVar aggregate classification (germline): Uncertain significance. Review status: criteria provided, multiple submitters, no conflicts (2 of 4 stars). 2 submissions from 2 submitters: Uncertain significance (2). Last evaluated 2026-01-09.

Conditions:
KBTBD13-related disorder. Also called: KBTBD13-related condition.
Nemaline myopathy 6 (NEM6). Also called: Nemaline myopathy 6, autosomal dominant. Identifiers: Orphanet 171439, MedGen C1836472, MONDO:0012237, OMIM 609273.

Allele frequency attached by ClinVar (database versions not stated): ExAC 0.00002.

Submissions (2):

Labcorp Genetics (formerly Invitae), Labcorp
Classification: Uncertain significance for Nemaline myopathy 6. Last evaluated: 2026-01-09. Review status: criteria provided, single submitter. Criteria: Invitae Variant Classification Sherloc (09022015). Collection method: clinical testing. Allele origin: germline.
Comment: This sequence change creates a premature translational stop signal (p.Gln293*) in the KBTBD13 gene. While this is not anticipated to result in nonsense mediated decay, it is expected to disrupt the last 166 amino acid(s) of the KBTBD13 protein. This variant is present in population databases (rs766677668, gnomAD 0.002%). This variant has not been reported in the literature in individuals affected with KBTBD13-related conditions. ClinVar contains an entry for this variant (Variation ID: 2628547). Experimental studies and prediction algorithms are not available or were not evaluated, and the functional significance of this variant is currently unknown. In summary, the available evidence is currently insufficient to determine the role of this variant in disease. Therefore, it has been classified as a Variant of Uncertain Significance.

PreventionGenetics, part of Exact Sciences
Classification: Uncertain significance for KBTBD13-related condition. Last evaluated: 2023-06-05. Review status: criteria provided, single submitter. Criteria: ACMG Guidelines, 2015. Collection method: clinical testing. Allele origin: germline.
Comment: The KBTBD13 c.877C>T variant is predicted to result in premature protein termination (p.Gln293*). To our knowledge, this variant has not been reported in the literature. This variant is reported in 0.0023% of alleles in individuals of European (Non-Finnish) descent in gnomAD. Loss of function has not been a well documented mechanism of KBTBD13-related disease (Human Gene Mutation Database). At this time, the clinical significance of this variant is uncertain due to the absence of conclusive functional and genetic evidence.